The following is an entry in ClinVar:

NM_206926.2(SELENON):c.1056C>G (p.Ile352Met)

Gene: SELENON (selenoprotein N; plus strand). Cytogenetic location: 1p36.11.
Variant type: single nucleotide variant.
Coding change: c.1056C>G on transcript NM_206926.2 (MANE Select); coding-DNA position 1056, C replaced by G.
Protein change: p.Ile352Met; replaces isoleucine 352 with methionine.
Molecular consequence: missense variant.
Genome position (GRCh38, 1-based): chr1:25,811,756, C>G. VCF-style: chr1-25811756-C-G. GRCh37 (hg19) VCF-style: chr1-26138247-C-G.
Other names: c.1158C>G, p.Ile386Met (NM_020451.3); short protein forms I352M, I386M.
Identifiers: ClinVar variation 665402 (VCV000665402.8), dbSNP rs372243527, ClinGen allele CA696783.

ClinVar aggregate classification (germline): Uncertain significance. Review status: criteria provided, multiple submitters, no conflicts (2 of 4 stars). 2 submissions from 2 submitters: Uncertain significance (2). Last evaluated 2024-08-21.

Conditions:
Eichsfeld type congenital muscular dystrophy (CMYO3). Also called: Rigid spine muscular dystrophy 1; MYOPATHY, SEPN1-RELATED; SELENON-related myopathy; Congenital myopathy 3 with rigid spine. Identifiers: MedGen C0410180, MONDO:0100100, OMIM 602771.
Inborn genetic diseases. Identifiers: MedGen C0950123, MeSH D030342.

Allele frequency attached by ClinVar (database versions not stated): TOPMed 0.00001; gnomAD 0.00003.
gnomAD v4.1: 11 of 1,598,226 alleles (0.00069%); highest among the groups gnomAD compares: African/African-American, 0.0053%; no homozygotes.

Submissions (2):

Ambry Genetics
Classification: Uncertain significance for Inborn genetic diseases. Last evaluated: 2024-08-21. Review status: criteria provided, single submitter. Criteria: Ambry Variant Classification Scheme 2023. Collection method: clinical testing. Allele origin: germline.

Labcorp Genetics (formerly Invitae), Labcorp
Classification: Uncertain significance for Eichsfeld type congenital muscular dystrophy. Last evaluated: 2018-08-02. Review status: criteria provided, single submitter. Criteria: Invitae Variant Classification Sherloc (09022015). Collection method: clinical testing. Allele origin: germline.
Comment: This sequence change replaces isoleucine with methionine at codon 386 of the SELENON protein (p.Ile386Met). The isoleucine residue is highly conserved and there is a small physicochemical difference between isoleucine and methionine. This variant is present in population databases (rs372243527, ExAC 0.02%). This variant has not been reported in the literature in individuals with SELENON-related disease. Algorithms developed to predict the effect of missense changes on protein structure and function are either unavailable or do not agree on the potential impact of this missense change (SIFT: "Tolerated"; PolyPhen-2: "Possibly Damaging"; Align-GVGD: "Class C0"). In summary, the available evidence is currently insufficient to determine the role of this variant in disease. Therefore, it has been classified as a Variant of Uncertain Significance.